The following is an entry in ClinVar:

ClinVar aggregate classification (germline): Uncertain significance (1 of 4 stars; one submission).

Conditions:
Centromeric instability of chromosomes 1,9 and 16 and immunodeficiency (ICF1). Also called: Immunodeficiency-centromeric instability-facial anomalies; CENTROMERIC INSTABILITY, IMMUNODEFICIENCY SYNDROME; IMMUNE DEFICIENCY, VARIABLE, WITH CENTROMERIC INSTABILITY OF CHROMOSOMES 1, 9, AND 16; IMMUNODEFICIENCY SYNDROME, VARIABLE. Identifiers: Orphanet 2268, MedGen C0398788, MONDO:0000133.

Allele frequency attached by ClinVar (database versions not stated): gnomAD 0.00001; TOPMed 0.00001.

Submission:

Labcorp Genetics (formerly Invitae), Labcorp
Classification: Uncertain significance for Centromeric instability of chromosomes 1,9 and 16 and immunodeficiency. Last evaluated: 2025-06-05. Review status: criteria provided, single submitter. Criteria: Invitae Variant Classification Sherloc (09022015). Collection method: clinical testing. Allele origin: germline.
Comment: This sequence change replaces arginine, which is basic and polar, with glutamine, which is neutral and polar, at codon 571 of the DNMT3B protein (p.Arg571Gln). This variant is present in population databases (rs778795266, gnomAD 0.006%). This variant has not been reported in the literature in individuals affected with DNMT3B-related conditions. ClinVar contains an entry for this variant (Variation ID: 1957766). Invitae Evidence Modeling of protein sequence and biophysical properties (such as structural, functional, and spatial information, amino acid conservation, physicochemical variation, residue mobility, and thermodynamic stability) indicates that this missense variant is not expected to disrupt DNMT3B protein function with a negative predictive value of 95%. In summary, the available evidence is currently insufficient to determine the role of this variant in disease. Therefore, it has been classified as a Variant of Uncertain Significance.

NM_006892.4(DNMT3B):c.1712G>A (p.Arg571Gln)

Genes: DNMT3B (DNA methyltransferase 3 beta; plus strand), LOC126863014 (CDK7 strongly-dependent group 2 enhancer GRCh37_chr20:31385992-31387191; plus strand). Cytogenetic location: 20q11.21.
Variant type: single nucleotide variant.
Coding change: c.1712G>A on transcript NM_006892.4 (MANE Select); coding-DNA position 1712, G replaced by A.
Protein change: p.Arg571Gln; replaces arginine 571 with glutamine.
Molecular consequence: missense variant.
Genome position (GRCh38, 1-based): chr20:32,799,281, G>A. VCF-style: chr20-32799281-G-A. GRCh37 (hg19) VCF-style: chr20-31387087-G-A.
Other names: c.1526G>A, p.Arg509Gln (NM_001207055.2); c.1424G>A, p.Arg475Gln (NM_001207056.2); c.1652G>A, p.Arg551Gln (NM_175848.2, NM_175849.2); c.1688G>A, p.Arg563Gln (NM_175850.3); short protein forms R475Q, R509Q, R563Q, R551Q, R571Q.
Identifiers: ClinVar variation 1957766 (VCV001957766.3), dbSNP rs778795266, ClinGen allele CA313154684.
Genomic context (GRCh38, chr20:32,799,281, plus strand): 5'-TGACCTCCTTCCTTACCTGGCAGGAAGCCCCCAAGCTGTACCCTGCCATTCCCGCAGCCC[G>A]AAGGCGGCCCATTCGAGTCCTGTCATTGTTTGATGGCATCGCGACAGGTGAGTTCGGGGA-3'
Protein context (NP_008823.1, residues 561-581): PKLYPAIPAA[Arg571Gln]RRPIRVLSLF